The following is an entry in ClinVar:

NM_020166.5(MCCC1):c.1314C>T (p.Val438=)

Gene: MCCC1 (methylcrotonyl-CoA carboxylase subunit 1; minus strand). Cytogenetic location: 3q27.1.
Variant type: single nucleotide variant.
Coding change: c.1314C>T on transcript NM_020166.5 (MANE Select); coding-DNA position 1314, C replaced by T.
Protein change: p.Val438=; no amino-acid change (valine 438 retained).
Molecular consequence: synonymous variant. On other transcripts: non-coding transcript variant (2).
Genome position (GRCh38, 1-based): chr3:183,039,089, G>A on the plus strand (C>T on the coding strand, the complement: MCCC1 is on the minus strand). VCF-style: chr3-183039089-G-A. GRCh37 (hg19) VCF-style: chr3-182756877-G-A.
Other names: c.963C>T, p.Val321= (NM_001293273.2); c.987C>T, p.Val329= (NM_001363880.1); c.1314C>T (NM_020166.4).
Identifiers: ClinVar variation 1570686 (VCV001570686.9), dbSNP rs774243822, ClinGen allele CA2718814.

ClinVar aggregate classification (germline): Likely benign. Review status: criteria provided, single submitter (1 of 4 stars). 2 submissions from 2 submitters: Likely benign (1). 1 of the submissions does not count toward it. Last evaluated 2026-01-06.

Conditions:
MCCC1-related disorder. Also called: MCCC1-related condition.
3-methylcrotonyl-CoA carboxylase 1 deficiency (MCC1D). Also called: MCC 1 deficiency; 3 Alpha methylcrotonylglycinuria 1; MCCD TYPE 1; METHYLCROTONYLGLYCINURIA TYPE I. Identifiers: Orphanet 6, MedGen CN028786, MONDO:0008861, OMIM 210200.

Allele frequency attached by ClinVar (database versions not stated): gnomAD exomes 0.00002; ExAC 0.00003; gnomAD 0.00003.
gnomAD v4.1: 42 of 1,614,026 alleles (0.0026%); highest among the groups gnomAD compares: Admixed American, 0.005%; no homozygotes.

Submissions (2):

Labcorp Genetics (formerly Invitae), Labcorp
Classification: Likely benign for 3-methylcrotonyl-CoA carboxylase 1 deficiency. Last evaluated: 2026-01-06. Review status: criteria provided, single submitter. Criteria: Invitae Variant Classification Sherloc (09022015). Collection method: clinical testing. Allele origin: germline.

PreventionGenetics, part of Exact Sciences
Classification: Likely benign for MCCC1-related condition. Last evaluated: 2024-08-15. Review status: no assertion criteria provided. Collection method: clinical testing. Allele origin: germline. Not counted in ClinVar's aggregate classification.
Comment: This variant is classified as likely benign based on ACMG/AMP sequence variant interpretation guidelines (Richards et al. 2015 PMID: 25741868, with internal and published modifications).